The following is an entry in ClinVar:

ClinVar aggregate classification (germline): Uncertain significance (1 of 4 stars; one submission).

Allele frequency attached by ClinVar (database versions not stated): gnomAD 0.00001.
gnomAD v4.1: 2 of 1,614,094 alleles (0.00012%); highest among the groups gnomAD compares: Admixed American, 0.0017%; no homozygotes.

Submission:

Labcorp Genetics (formerly Invitae), Labcorp
Classification: Uncertain significance. Last evaluated: 2024-10-16. Review status: criteria provided, single submitter. Criteria: Invitae Variant Classification Sherloc (09022015). Collection method: clinical testing. Allele origin: germline.
Comment: This sequence change replaces arginine, which is basic and polar, with histidine, which is basic and polar, at codon 100 of the ARPC1B protein (p.Arg100His). This variant is not present in population databases (gnomAD no frequency). This variant has not been reported in the literature in individuals affected with ARPC1B-related conditions. ClinVar contains an entry for this variant (Variation ID: 1345974). Invitae Evidence Modeling of protein sequence and biophysical properties (such as structural, functional, and spatial information, amino acid conservation, physicochemical variation, residue mobility, and thermodynamic stability) indicates that this missense variant is not expected to disrupt ARPC1B protein function with a negative predictive value of 80%. In summary, the available evidence is currently insufficient to determine the role of this variant in disease. Therefore, it has been classified as a Variant of Uncertain Significance.

NM_005720.4(ARPC1B):c.299G>A (p.Arg100His)

Gene: ARPC1B (actin related protein 2/3 complex subunit 1B; plus strand). Cytogenetic location: 7q22.1.
Variant type: single nucleotide variant.
Coding change: c.299G>A on transcript NM_005720.4 (MANE Select); coding-DNA position 299, G replaced by A.
Protein change: p.Arg100His; replaces arginine 100 with histidine.
Molecular consequence: missense variant.
Genome position (GRCh38, 1-based): chr7:99,388,168, G>A. VCF-style: chr7-99388168-G-A. GRCh37 (hg19) VCF-style: chr7-98985791-G-A.
Other names: short protein forms R100H.
Identifiers: ClinVar variation 1345974 (VCV001345974.7), dbSNP rs1794454867, ClinGen allele CA368318827.
Genomic context (GRCh38, chr7:99,388,168, plus strand): 5'-CGCTGAAGGGCCGCACATGGAAGCCCACGCTGGTCATCCTGCGGATCAACCGGGCTGCCC[G>A]CTGCGTGCGCTGGGCCCCCAACGAGAACAAGTTTGCTGTGGGCAGCGGCTCTCGTGTGAT-3'
Protein context (NP_005711.1, residues 90-110): LVILRINRAA[Arg100His]CVRWAPNENK